The following is an entry in ClinVar:

NM_000182.5(HADHA):c.2026C>T (p.Arg676Cys)

Genes: GAREM2 (GRB2 associated regulator of MAPK1 subtype 2; plus strand), HADHA (hydroxyacyl-CoA dehydrogenase trifunctional multienzyme complex subunit alpha; minus strand). Cytogenetic location: 2p23.3.
Variant type: single nucleotide variant.
Coding change: c.2026C>T on transcript NM_000182.5 (MANE Select); coding-DNA position 2026, C replaced by T.
Protein change: p.Arg676Cys; replaces arginine 676 with cysteine.
Molecular consequence: missense variant.
Genome position (GRCh38, 1-based): chr2:26,191,603, G>A on the plus strand (C>T on the coding strand, the complement: HADHA is on the minus strand). VCF-style: chr2-26191603-G-A. GRCh37 (hg19) VCF-style: chr2-26414472-G-A.
Other names: c.2026C>T (NM_000182.4); short protein forms R676C.
Identifiers: ClinVar variation 1065948 (VCV001065948.17), dbSNP rs771028541, ClinGen allele CA1559384.
Genomic context (GRCh38, chr2:26,191,603, plus strand): 5'-TGGCCAAGATCCCCTCTTGCAGGCACATGACTGCCTCATTCACAAATCTTGTCACCAGGC[G>A]GAACTGGATGTCTTCGTCTGATGAGCTGCCAACAGAAAGAGATGTTTAGGTAGAAGAAGA-3'
Protein context (NP_000173.2, residues 666-686): EVSSDEDIQF[Arg676Cys]LVTRFVNEAV

ClinVar aggregate classification (germline): Conflicting classifications of pathogenicity. Review status: criteria provided, conflicting classifications (1 of 4 stars). 8 submissions from 8 submitters: Pathogenic (1); Likely pathogenic (5); Uncertain significance (1). 1 of the submissions does not count toward it. Last evaluated 2026-03-20.

Conditions:
Mitochondrial trifunctional protein deficiency 1 (MTPD1). Identifiers: MedGen CN376812, MONDO:0958181, OMIM 609015.
Long chain 3-hydroxyacyl-CoA dehydrogenase deficiency. Also called: Deficiency of long-chain 3-hydroxyacyl-coenzyme A dehydrogenase; LCHAD Deficiency. Identifiers: Orphanet 5, MedGen C3711645, MONDO:0012173, OMIM 609016.
Mitochondrial trifunctional protein deficiency. Identifiers: Orphanet 746, MedGen C1969443, MONDO:0012172.

Allele frequency attached by ClinVar (database versions not stated): gnomAD exomes below 0.00001 and 0.00002; gnomAD 0.00001; ExAC 0.00002; TOPMed 0.00002.
gnomAD v4.1: 8 of 1,613,958 alleles (0.0005%); highest among the groups gnomAD compares: East Asian, 0.0045%; no homozygotes.

Submissions (8):

Myriad Genetics, Inc.
Classification: Uncertain significance for Long chain 3-hydroxyacyl-CoA dehydrogenase deficiency. Last evaluated: 2026-03-20. Review status: criteria provided, single submitter. Criteria: Myriad Autosomal Dominant, Autosomal Recessive and X-Linked Classification Criteria (2023). Collection method: clinical testing. Allele origin: unknown.
Comment: NM_000182.4(HADHA):c.2026C>T(R676C) is a missense variant classified as a variant of uncertain significance in the context of HADHA-related disorders. R676C has been observed in a case with relevant disease (PMID: 10352164, 41257106, 37754774). Relevant functional assessments of this variant are not available in the literature. R676C has been observed in referenced population frequency databases. In summary, there is insufficient evidence to classify NM_000182.4(HADHA):c.2026C>T(R676C) as pathogenic or benign. Please note: this variant was assessed in the context of healthy population screening.

Natera, Inc.
Classification: Likely pathogenic for Deficiency of long-chain 3-hydroxyacyl-coenzyme A dehydrogenase. Last evaluated: 2025-12-15. Review status: criteria provided, single submitter. Criteria: Natera Variant Classification Schema (03/2026). Collection method: clinical testing. Allele origin: germline.
Comment: The c.2026C>T variant in HADHA is a missense variant predicted to cause substitution of arginine to cysteine at amino acid 676. This variant is rare in the general population with a frequency below the threshold expected for the associated phenotype(s). This variant has been observed in one or more individuals affected with the associated recessive disease, as either homozygous or compound heterozygous with a second variant (PMID: 10352164, 37754774, 41257106). A different variant at the same position has been determined to be Pathogenic or Likely Pathogenic. Computational prediction algorithms indicate this variant is likely to affect gene or protein function. Given the available evidence, this variant is classified as Likely Pathogenic.

Women's Health and Genetics/Laboratory Corporation of America, LabCorp
Classification: Likely pathogenic for Long chain 3-hydroxyacyl-CoA dehydrogenase deficiency. Last evaluated: 2025-09-08. Review status: criteria provided, single submitter. Criteria: LabCorp Variant Classification Summary - May 2015. Collection method: clinical testing. Allele origin: germline.
Comment: Variant summary: HADHA c.2026C>T (p.Arg676Cys) results in a non-conservative amino acid change in the encoded protein sequence. Algorithms developed to predict the effect of missense changes on protein structure and function all suggest that this variant is likely to be disruptive. The variant allele was found at a frequency of 1.6e-05 in 251316 control chromosomes. c.2026C>T has been observed in compound heterozygous individuals affected with Long Chain 3-Hydroxyacyl-CoA Dehydrogenase Deficiency (examples: Ibdah_1999, Baydakova_2023). These data indicate that the variant may be associated with disease. A different change affecting the same codon, c.2027G>A (p.Arg676His), has been reported in individuals with Mitochondrial trifunctional protein deficiency and has been classified as P/LP by submitters in ClinVar, suggesting the importance of this codon on protein function. To our knowledge, no experimental evidence demonstrating an impact on protein function has been reported. The following publications have been ascertained in the context of this evaluation (PMID: 37754774, 10352164, 14630990). ClinVar contains an entry for this variant (Variation ID: 1065948). Based on the evidence outlined above, the variant was classified as likely pathogenic.

3billion
Classification: Likely pathogenic for Long chain 3-hydroxyacyl-CoA dehydrogenase deficiency. Last evaluated: 2024-11-11. Review status: criteria provided, single submitter. Criteria: ACMG Guidelines, 2015. Collection method: clinical testing. Allele origin: germline. Affected: yes.
Comment: The variant is observed at an extremely low frequency in the gnomAD v4.1.0 dataset (total allele frequency: <0.001%). Predicted Consequence/Location: Missense variant. The majority of the known disease-causing variants of this gene are variants expected to result in premature termination of the protein. In silico tool predictions suggest damaging effect of the variant on gene or gene product [REVEL: 0.95 (>=0.6, sensitivity 0.68 and specificity 0.92); 3Cnet: 0.98 (>=0.6, sensitivity 0.72 and precision 0.9)]. The same nucleotide change resulting in the same amino acid change has been previously reported as pathogenic/likely pathogenic with strong evidence (ClinVar ID: VCV001065948 /PMID: 10352164). Different missense changes at the same codon (p.Arg676His, p.Arg676Leu) have been reported as pathogenic/likely pathogenic with strong evidence (ClinVar ID: VCV000948895 /PMID: 10352164, 24305961). Therefore, this variant is classified as Likely pathogenic according to the recommendation of ACMG/AMP guideline.

Baylor Genetics
Classification: Likely pathogenic for Long chain 3-hydroxyacyl-CoA dehydrogenase deficiency. Last evaluated: 2023-12-14. Review status: criteria provided, single submitter. Criteria: ACMG Guidelines, 2015. Collection method: clinical testing. Allele origin: unknown.

Labcorp Genetics (formerly Invitae), Labcorp
Classification: Pathogenic for Mitochondrial trifunctional protein deficiency; Long chain 3-hydroxyacyl-CoA dehydrogenase deficiency. Last evaluated: 2023-12-03. Review status: criteria provided, single submitter. Criteria: Invitae Variant Classification Sherloc (09022015). Collection method: clinical testing. Allele origin: germline.
Comment: This sequence change replaces arginine, which is basic and polar, with cysteine, which is neutral and slightly polar, at codon 676 of the HADHA protein (p.Arg676Cys). This variant is present in population databases (rs771028541, gnomAD 0.01%). This missense change has been observed in individual(s) with 3-hydroxyacyl-CoA dehydrogenase deficiency (PMID: 10352164). In at least one individual the data is consistent with being in trans (on the opposite chromosome) from a pathogenic variant. This variant is also known as p.Arg640Cys. ClinVar contains an entry for this variant (Variation ID: 1065948). Advanced modeling of protein sequence and biophysical properties (such as structural, functional, and spatial information, amino acid conservation, physicochemical variation, residue mobility, and thermodynamic stability) performed at Invitae indicates that this missense variant is expected to disrupt HADHA protein function with a positive predictive value of 80%. This variant disrupts the p.Arg676 amino acid residue in HADHA. Other variant(s) that disrupt this residue have been determined to be pathogenic (PMID: 10352164, 21549624, 26109258; Invitae). This suggests that this residue is clinically significant, and that variants that disrupt this residue are likely to be disease-causing. For these reasons, this variant has been classified as Pathogenic.

Fulgent Genetics
Classification: Likely pathogenic for Mitochondrial trifunctional protein deficiency 1; Long chain 3-hydroxyacyl-CoA dehydrogenase deficiency. Last evaluated: 2021-10-10. Review status: criteria provided, single submitter. Criteria: ACMG Guidelines, 2015. Collection method: clinical testing. Allele origin: unknown.

Next Generation Genetic Polyclinic
Classification: Pathogenic for Mitochondrial trifunctional protein deficiency 1. Review status: no assertion criteria provided. Collection method: clinical testing. Allele origin: inherited. Affected: yes. Not counted in ClinVar's aggregate classification.

Literature cited by the submitters: PubMed 10352164 (cited by 5 submitters); PubMed 37754774 (cited by 3 submitters); PubMed 41257106 (cited by Myriad Genetics, Inc. and Natera, Inc.); PubMed 14630990 (cited by Women's Health and Genetics/Laboratory Corporation of America, LabCorp); PubMed 21549624 (cited by Labcorp Genetics (formerly Invitae), Labcorp); PubMed 26109258 (cited by Labcorp Genetics (formerly Invitae), Labcorp).